The following is an entry in ClinVar:

NM_003410.4(ZFX):c.1815C>G (p.Phe605Leu)

Gene: ZFX (zinc finger protein X-linked; plus strand). Cytogenetic location: Xp22.11.
Variant type: single nucleotide variant.
Coding change: c.1815C>G on transcript NM_003410.4 (MANE Select); coding-DNA position 1815, C replaced by G.
Protein change: p.Phe605Leu; replaces phenylalanine 605 with leucine.
Molecular consequence: missense variant. On other transcripts: 3 prime UTR variant (1).
Genome position (GRCh38, 1-based): chrX:24,210,773, C>G. VCF-style: chrX-24210773-C-G. GRCh37 (hg19) VCF-style: chrX-24228890-C-G.
Other names: c.1815C>G, p.Phe605Leu (NM_001178084.2, NM_001178085.1); c.1128C>G, p.Phe376Leu (NM_001178086.2); c.*575C>G (NM_001178095.2); c.1932C>G, p.Phe644Leu (NM_001330327.2); short protein forms F376L, F605L, F644L.
Identifiers: ClinVar variation 4686404 (VCV004686404.1).

ClinVar aggregate classification (germline): Uncertain significance (1 of 4 stars; one submission).

Submission:

GeneDx
Classification: Uncertain significance. Last evaluated: 2025-07-15. Review status: criteria provided, single submitter. Criteria: GeneDx Variant Classification Process June 2021. Collection method: clinical testing. Allele origin: germline. Affected: yes.
Comment: Not observed at significant frequency in large population cohorts (gnomAD); In silico analysis supports that this missense variant has a deleterious effect on protein structure/function; Has not been previously published as pathogenic or benign to our knowledge